The following is an entry in ClinVar:

NM_002834.5(PTPN11):c.1191G>T (p.Thr397=)

Gene: PTPN11 (protein tyrosine phosphatase non-receptor type 11; plus strand). Cytogenetic location: 12q24.13.
Variant type: single nucleotide variant.
Coding change: c.1191G>T on transcript NM_002834.5 (MANE Select); coding-DNA position 1191, G replaced by T.
Protein change: p.Thr397=; no amino-acid change (threonine 397 retained).
Molecular consequence: synonymous variant.
Genome position (GRCh38, 1-based): chr12:112,482,172, G>T. VCF-style: chr12-112482172-G-T. GRCh37 (hg19) VCF-style: chr12-112919976-G-T.
Other names: p.Thr397=; c.1191G>T, p.Thr397= (NM_001330437.2, NM_080601.3); c.1188G>T, p.Thr396= (NM_001374625.1); c.1191G>T (NM_002834.4).
Identifiers: ClinVar variation 477668 (VCV000477668.10), dbSNP rs775571445, ClinGen allele CA481880202.

ClinVar aggregate classification (germline): Likely benign. Review status: criteria provided, multiple submitters, no conflicts (2 of 4 stars). 3 submissions from 3 submitters: Likely benign (3). Last evaluated 2025-12-17.

Conditions:
RASopathy. Also called: rasopathies; Noonan spectrum disorder. Identifiers: Orphanet 536391, MedGen C5555857, MONDO:0021060.
Cardiovascular phenotype. Identifiers: MedGen CN230736.

gnomAD v4.1: 2 of 1,613,740 alleles (0.00012%); highest among the groups gnomAD compares: Non-Finnish European, 0.00017%; no homozygotes.

Submissions (3):

Mayo Clinic Laboratories, Mayo Clinic
Classification: Likely benign. Last evaluated: 2025-12-17. Review status: criteria provided, single submitter. Criteria: ACMG Guidelines, 2015. Collection method: clinical testing. Allele origin: germline. Observed: 1 variant allele.
Comment: BP4, BP7

Labcorp Genetics (formerly Invitae), Labcorp
Classification: Likely benign for RASopathy. Last evaluated: 2025-09-18. Review status: criteria provided, single submitter. Criteria: Invitae Variant Classification Sherloc (09022015). Collection method: clinical testing. Allele origin: germline.

Ambry Genetics
Classification: Likely benign for Cardiovascular phenotype. Last evaluated: 2025-02-18. Review status: criteria provided, single submitter. Criteria: Ambry Variant Classification Scheme 2023. Collection method: clinical testing. Allele origin: germline.